The following is an entry in ClinVar:

NM_003906.5(MCM3AP):c.490C>G (p.Pro164Ala)

Gene: MCM3AP (minichromosome maintenance complex component 3 associated protein; minus strand). Cytogenetic location: 21q22.3.
Variant type: single nucleotide variant.
Coding change: c.490C>G on transcript NM_003906.5 (MANE Select); coding-DNA position 490, C replaced by G.
Protein change: p.Pro164Ala; replaces proline 164 with alanine.
Molecular consequence: missense variant.
Genome position (GRCh38, 1-based): chr21:46,284,797, G>C on the plus strand (C>G on the coding strand, the complement: MCM3AP is on the minus strand). VCF-style: chr21-46284797-G-C. GRCh37 (hg19) VCF-style: chr21-47704711-G-C.
Other names: short protein forms P164A.
Identifiers: ClinVar variation 2419874 (VCV002419874.3), dbSNP rs553555601, ClinGen allele CA10077336.
Genomic context (GRCh38, chr21:46,284,797, plus strand): 5'-TACTAATTGGGTGGGAAAATGTAAAAAACCCAGAAGCAATTTGGCTCTGGGTTTTCTCTG[G>C]CTCAGATTCAGCCCCCAGTATTGGTTTGAACACTGCATTTTCCAGAGGTTTAAAGCTGAA-3'
Protein context (NP_003897.2, residues 154-174): FKPILGAESE[Pro164Ala]EKTQSQIASG

ClinVar aggregate classification (germline): Uncertain significance (1 of 4 stars; one submission).

Allele frequency attached by ClinVar (database versions not stated): gnomAD 0.00007; gnomAD exomes 0.00013; ExAC 0.00023; 1000 Genomes Project 0.00040; 1000 Genomes Project 30x 0.00062.
gnomAD v4.1: 198 of 1,613,614 alleles (0.012%); highest among the groups gnomAD compares: South Asian, 0.21%; 2 homozygotes.

Submission:

Labcorp Genetics (formerly Invitae), Labcorp
Classification: Uncertain significance. Last evaluated: 2022-08-03. Review status: criteria provided, single submitter. Criteria: Invitae Variant Classification Sherloc (09022015). Collection method: clinical testing. Allele origin: germline.
Comment: This sequence change replaces proline, which is neutral and non-polar, with alanine, which is neutral and non-polar, at codon 164 of the MCM3AP protein (p.Pro164Ala). This variant is present in population databases (rs553555601, gnomAD 0.2%). This variant has not been reported in the literature in individuals affected with MCM3AP-related conditions. Algorithms developed to predict the effect of missense changes on protein structure and function output the following: SIFT: "Deleterious"; PolyPhen-2: "Benign"; Align-GVGD: "Class C0". The alanine amino acid residue is found in multiple mammalian species, which suggests that this missense change does not adversely affect protein function. In summary, the available evidence is currently insufficient to determine the role of this variant in disease. Therefore, it has been classified as a Variant of Uncertain Significance.